The following is an entry in ClinVar:

NM_024757.5(EHMT1):c.2914G>A (p.Gly972Arg)

Gene: EHMT1 (euchromatic histone lysine methyltransferase 1; plus strand). Cytogenetic location: 9q34.3.
Variant type: single nucleotide variant.
Coding change: c.2914G>A on transcript NM_024757.5 (MANE Select); coding-DNA position 2914, G replaced by A.
Protein change: p.Gly972Arg; replaces glycine 972 with arginine.
Molecular consequence: missense variant.
Genome position (GRCh38, 1-based): chr9:137,813,052, G>A. VCF-style: chr9-137813052-G-A. GRCh37 (hg19) VCF-style: chr9-140707504-G-A.
Other names: c.2893G>A, p.Gly965Arg (NM_001354263.2); short protein forms G965R, G972R.
Identifiers: ClinVar variation 4774689 (VCV004774689.1).

ClinVar aggregate classification (germline): Uncertain significance (1 of 4 stars; one submission).

Conditions:
Kleefstra syndrome 1 (KLEFS1). Identifiers: Orphanet 261494, MedGen C0795833, MONDO:0027407, OMIM 610253.

Submission:

Labcorp Genetics (formerly Invitae), Labcorp
Classification: Uncertain significance for Kleefstra syndrome 1. Last evaluated: 2025-04-14. Review status: criteria provided, single submitter. Criteria: Invitae Variant Classification Sherloc (09022015). Collection method: clinical testing. Allele origin: germline.
Comment: This sequence change replaces glycine, which is neutral and non-polar, with arginine, which is basic and polar, at codon 972 of the EHMT1 protein (p.Gly972Arg). This variant is not present in population databases (gnomAD no frequency). This variant has not been reported in the literature in individuals affected with EHMT1-related conditions. Invitae Evidence Modeling of protein sequence and biophysical properties (such as structural, functional, and spatial information, amino acid conservation, physicochemical variation, residue mobility, and thermodynamic stability) indicates that this missense variant is expected to disrupt EHMT1 protein function with a positive predictive value of 80%. In summary, the available evidence is currently insufficient to determine the role of this variant in disease. Therefore, it has been classified as a Variant of Uncertain Significance.